The following is an entry in ClinVar:

ClinVar aggregate classification (germline): Uncertain significance (1 of 4 stars; one submission).

Conditions:
Developmental and epileptic encephalopathy, 9 (DEE9). Also called: Early infantile epileptic encephalopathy 9; EPILEPSY, FEMALE-RESTRICTED, WITH MENTAL RETARDATION; PCDH19-Related X-Linked Female-Limited Epilepsy with Mental Retardation; JUBERG-HELLMAN SYNDROME. Identifiers: Orphanet 101039, Orphanet 2076, MedGen C1848137, MONDO:0010246, OMIM 300088. Disease mechanism: loss of function.

Submission:

Labcorp Genetics (formerly Invitae), Labcorp
Classification: Uncertain significance for Developmental and epileptic encephalopathy, 9. Last evaluated: 2024-08-31. Review status: criteria provided, single submitter. Criteria: Invitae Variant Classification Sherloc (09022015). Collection method: clinical testing. Allele origin: germline.
Comment: This sequence change replaces proline, which is neutral and non-polar, with arginine, which is basic and polar, at codon 253 of the PCDH19 protein (p.Pro253Arg). This variant is not present in population databases (gnomAD no frequency). This variant has not been reported in the literature in individuals affected with PCDH19-related conditions. Invitae Evidence Modeling of protein sequence and biophysical properties (such as structural, functional, and spatial information, amino acid conservation, physicochemical variation, residue mobility, and thermodynamic stability) indicates that this missense variant is not expected to disrupt PCDH19 protein function with a negative predictive value of 95%. In summary, the available evidence is currently insufficient to determine the role of this variant in disease. Therefore, it has been classified as a Variant of Uncertain Significance.

NM_001184880.2(PCDH19):c.758C>G (p.Pro253Arg)

Gene: PCDH19 (protocadherin 19; minus strand). Cytogenetic location: Xq22.1.
Variant type: single nucleotide variant.
Coding change: c.758C>G on transcript NM_001184880.2 (MANE Select); coding-DNA position 758, C replaced by G.
Protein change: p.Pro253Arg; replaces proline 253 with arginine.
Molecular consequence: missense variant.
Genome position (GRCh38, 1-based): chrX:100,407,840, G>C on the plus strand (C>G on the coding strand, the complement: PCDH19 is on the minus strand). VCF-style: chrX-100407840-G-C. GRCh37 (hg19) VCF-style: chrX-99662838-G-C.
Other names: c.758C>G, p.Pro253Arg (NM_001105243.2, NM_020766.3); short protein forms P253R.
Identifiers: ClinVar variation 3636302 (VCV003636302.2).